The following is an entry in ClinVar:

ClinVar aggregate classification (germline): Likely pathogenic. Review status: criteria provided, multiple submitters, no conflicts (2 of 4 stars). 3 submissions from 3 submitters: Likely pathogenic (3). Last evaluated 2024-11-27.

Conditions:
Fetal akinesia deformation sequence 3. Identifiers: MedGen C4760599, MONDO:0100103, OMIM 618389.
Congenital myasthenic syndrome (CMS). Also called: Congenital Myasthenic Syndromes. Identifiers: Orphanet 590, MedGen C0751882, MeSH D020294, MONDO:0018940.
Congenital myasthenic syndrome 10. Also called: Myasthenia, limb-girdle, familial. Identifiers: Orphanet 590, MedGen C1850792, MONDO:0009690, OMIM 254300.
Fetal akinesia deformation sequence 1 (FADS1). Also called: Pena-Shokeir syndrome type I; Fetal akinesia sequence. Identifiers: Orphanet 994, MedGen C1276035, MONDO:0100101, OMIM 208150, HP:0001989.

gnomAD v4.1: 1 of 1,613,456 alleles (0.000062%); highest among the groups gnomAD compares: Admixed American, 0.0017%; no homozygotes.

Submissions (3):

Women's Health and Genetics/Laboratory Corporation of America, LabCorp
Classification: Likely pathogenic for Congenital myasthenic syndrome. Last evaluated: 2024-11-27. Review status: criteria provided, single submitter. Criteria: LabCorp Variant Classification Summary - May 2015. Collection method: clinical testing. Allele origin: germline.
Comment: Variant summary: DOK7 c.415G>C (p.Val139Leu) results in a conservative amino acid change in the encoded protein sequence. Three of five in-silico tools predict a damaging effect of the variant on protein function. The variant allele was found at a frequency of 4e-06 in 250688 control chromosomes (gnomAD). c.415G>C has been reported in the literature in a homozygous individual affected with Congenital Myasthenic Syndrome (Jephson_2010). These data indicate that the variant may be associated with disease. At least one publication reports experimental evidence evaluating an impact on protein function, finding that the variant severely impairs acetylcholine receptor clustering Cossins_2012). The following publications have been ascertained in the context of this evaluation (PMID: 20554332, 22661499). ClinVar contains an entry for this variant (Variation ID: 943383). Based on the evidence outlined above, the variant was classified as likely pathogenic.

Baylor Genetics
Classification: Likely pathogenic for Fetal akinesia deformation sequence 3. Last evaluated: 2023-03-11. Review status: criteria provided, single submitter. Criteria: ACMG Guidelines, 2015. Collection method: clinical testing. Allele origin: unknown.

Labcorp Genetics (formerly Invitae), Labcorp
Classification: Likely pathogenic for Congenital myasthenic syndrome 10; Fetal akinesia deformation sequence 1. Last evaluated: 2022-03-08. Review status: criteria provided, single submitter. Criteria: Invitae Variant Classification Sherloc (09022015). Collection method: clinical testing. Allele origin: germline.
Comment: In summary, the currently available evidence indicates that the variant is pathogenic, but additional data are needed to prove that conclusively. Therefore, this variant has been classified as Likely Pathogenic. Experimental studies have shown that this missense change affects DOK7 function (PMID: 22661499). Algorithms developed to predict the effect of missense changes on protein structure and function are either unavailable or do not agree on the potential impact of this missense change (SIFT: "Deleterious"; PolyPhen-2: "Benign"; Align-GVGD: "Class C0"). ClinVar contains an entry for this variant (Variation ID: 943383). This missense change has been observed in individual(s) with clinical features of congenital myopathy and/or congenital myasthenia (PMID: 20554332; Invitae). In at least one individual the data is consistent with being in trans (on the opposite chromosome) from a pathogenic variant. This variant is present in population databases (no rsID available, gnomAD 0.003%). This sequence change replaces valine, which is neutral and non-polar, with leucine, which is neutral and non-polar, at codon 139 of the DOK7 protein (p.Val139Leu).

Literature cited by the submitters: PubMed 22661499 (cited by Women's Health and Genetics/Laboratory Corporation of America, LabCorp and Labcorp Genetics (formerly Invitae), Labcorp); PubMed 20554332 (cited by Women's Health and Genetics/Laboratory Corporation of America, LabCorp and Labcorp Genetics (formerly Invitae), Labcorp).

NM_173660.5(DOK7):c.415G>C (p.Val139Leu)

Gene: DOK7 (docking protein 7; plus strand). Cytogenetic location: 4p16.3.
Variant type: single nucleotide variant.
Coding change: c.415G>C on transcript NM_173660.5 (MANE Select); coding-DNA position 415, G replaced by C.
Protein change: p.Val139Leu; replaces valine 139 with leucine.
Molecular consequence: missense variant. On other transcripts: intron variant (1).
Genome position (GRCh38, 1-based): chr4:3,476,425, G>C. VCF-style: chr4-3476425-G-C. GRCh37 (hg19) VCF-style: chr4-3478152-G-C.
Other names: c.415G>C, p.Val139Leu (NM_001164673.2, NM_001301071.2); c.101-9114G>C (NM_001363811.2); short protein forms V139L.
Identifiers: ClinVar variation 943383 (VCV000943383.12), dbSNP rs571769859, ClinGen allele CA356114281.